The following is an entry in ClinVar:

ClinVar aggregate classification (germline): Likely pathogenic. Review status: criteria provided, multiple submitters, no conflicts (2 of 4 stars). 2 submissions from 2 submitters: Likely pathogenic (2). Last evaluated 2025-06-10.

Conditions:
Houge-Janssens syndrome 2. Also called: INTELLECTUAL DEVELOPMENTAL DISORDER, AUTOSOMAL DOMINANT 36; Microcephaly-corpus callosum hypoplasia-intellectual disability-facial dysmorphism syndrome; PPP2R1A-Related Neurodevelopmental Disorder. Identifiers: Orphanet 457284, MedGen C4225352, MONDO:0014605, OMIM 616362.
Inborn genetic diseases. Identifiers: MedGen C0950123, MeSH D030342.

Submissions (2):

Rady Children's Institute for Genomic Medicine, Rady Children's Hospital San Diego
Classification: Likely pathogenic for PPP2R1A-related neurodevelopmental disorder. Last evaluated: 2025-06-10. Review status: criteria provided, single submitter. Criteria: ACMG Guidelines, 2015. Collection method: clinical testing. Allele origin: germline. Affected: yes.
Comment: The PPP2R1A gene is constrained against variation (Z-score = 5.43 and pLI = 1), and missense variants are a common mechanism of disease (HGMD, ClinVar database; PMID: 35593790). The c.548G>C (p.Arg183Pro) variant affects a highly conserved amino acid; however, in silico tools used to predict the effect of this variant on protein function yield discordant results. This variant has not been previously reported or functionally characterized in the literature to our knowledge. Different amino acid changes at the same residue (p.Arg183Trp and p.Arg183Gln) have been previously reported in individuals with PPP2R1A-related neurodevelopmental disorder (PMID: 31687265, 36209351, 36672867, 33106617). The c.548G>C (p.Arg183Pro) variant is absent from the latest version of the gnomAD population database and thus is presumed to be rare. Based on parental analysis, this variant likely occurred as a de novo event. Based on the available evidence, c.548G>C (p.Arg183Pro) is classified as Likely Pathogenic.

Ambry Genetics
Classification: Likely pathogenic for Inborn genetic diseases. Last evaluated: 2017-11-28. Review status: criteria provided, single submitter. Criteria: Ambry exome assertion method (8-5-2015). Collection method: clinical testing. Allele origin: germline. Affected: yes. Observed: 1 variant allele.

Literature cited by the submitters: PubMed 31687265 (cited by Rady Children's Institute for Genomic Medicine, Rady Children's Hospital San Diego); PubMed 33106617 (cited by Rady Children's Institute for Genomic Medicine, Rady Children's Hospital San Diego); PubMed 36209351 (cited by Rady Children's Institute for Genomic Medicine, Rady Children's Hospital San Diego); PubMed 36672867 (cited by Rady Children's Institute for Genomic Medicine, Rady Children's Hospital San Diego); PubMed 25533962 (cited by Ambry Genetics).

NM_014225.6(PPP2R1A):c.548G>C (p.Arg183Pro)

Gene: PPP2R1A (protein phosphatase 2 scaffold subunit Aalpha; plus strand). Cytogenetic location: 19q13.41.
Variant type: single nucleotide variant.
Coding change: c.548G>C on transcript NM_014225.6 (MANE Select); coding-DNA position 548, G replaced by C.
Protein change: p.Arg183Pro; replaces arginine 183 with proline.
Molecular consequence: missense variant. On other transcripts: non-coding transcript variant (1).
Genome position (GRCh38, 1-based): chr19:52,212,730, G>C. VCF-style: chr19-52212730-G-C. GRCh37 (hg19) VCF-style: chr19-52715983-G-C.
Other names: c.11G>C, p.Arg4Pro (NM_001363656.2); short protein forms R183P, R4P.
Identifiers: ClinVar variation 985103 (VCV000985103.4), dbSNP rs1057519947, ClinGen allele CA407183567.